The following is an entry in ClinVar:

ClinVar aggregate classification (germline): Benign. Review status: criteria provided, multiple submitters, no conflicts (2 of 4 stars). 8 submissions from 8 submitters: Benign (7). 1 of the submissions does not count toward it. Last evaluated 2026-02-04.

Conditions:
Donnai-Barrow syndrome. Also called: DBS/FOAR SYNDROME; FACIOOCULOACOUSTICORENAL SYNDROME. Identifiers: Orphanet 2143, MedGen C1857277, MONDO:0009104, OMIM 222448.

Allele frequency attached by ClinVar (database versions not stated): gnomAD exomes 0.00867 and 0.01665; ExAC 0.01920; ESP Exome Variant Server 0.04129; gnomAD 0.04398; TOPMed 0.04625; 1000 Genomes Project 0.05312; 1000 Genomes Project 30x 0.05497.
gnomAD v4.1: 19,526 of 1,614,046 alleles (1.2%); highest among the groups gnomAD compares: African/African-American, 13%; 764 homozygotes.

Submissions (8):

Labcorp Genetics (formerly Invitae), Labcorp
Classification: Benign. Last evaluated: 2026-02-04. Review status: criteria provided, single submitter. Criteria: Invitae Variant Classification Sherloc (09022015). Collection method: clinical testing. Allele origin: germline.

Mayo Clinic Laboratories, Mayo Clinic
Classification: Benign. Last evaluated: 2025-03-08. Review status: criteria provided, single submitter. Criteria: ACMG Guidelines, 2015. Collection method: clinical testing. Allele origin: germline. Observed: 4 variant alleles.

Genome-Nilou Lab
Classification: Benign for Donnai-Barrow syndrome. Last evaluated: 2021-07-15. Review status: criteria provided, single submitter. Criteria: ACMG Guidelines, 2015. Collection method: clinical testing. Allele origin: germline. Affected: no.

GeneDx
Classification: Benign. Last evaluated: 2020-02-03. Review status: criteria provided, single submitter. Criteria: GeneDx Variant Classification Process June 2021. Collection method: clinical testing. Allele origin: germline. Affected: yes.

Illumina Laboratory Services, Illumina
Classification: Benign for Donnai-Barrow syndrome. Last evaluated: 2018-01-13. Review status: criteria provided, single submitter. Criteria: ICSL Variant Classification Criteria 13 December 2019. Collection method: clinical testing. Allele origin: germline.
Comment: This variant was observed in the ICSL laboratory as part of a predisposition screen in an ostensibly healthy population. It had not been previously curated by ICSL or reported in the Human Gene Mutation Database (HGMD: prior to June 1st, 2018), and was therefore a candidate for classification through an automated scoring system. Utilizing variant allele frequency, disease prevalence and penetrance estimates, and inheritance mode, an automated score was calculated to assess if this variant is too frequent to cause the disease. Based on the score and internal cut-off values, a variant classified as benign is not then subjected to further curation. The score for this variant resulted in a classification of benign for this disease.

Breakthrough Genomics
Classification: Benign. Review status: criteria provided, single submitter. Criteria: ACMG Guidelines, 2015. Collection method: not provided. Allele origin: germline. Inheritance: Autosomal recessive inheritance. Affected: yes.

PreventionGenetics, part of Exact Sciences
Classification: Benign. Review status: criteria provided, single submitter. Criteria: ACMG Guidelines, 2015. Collection method: clinical testing. Allele origin: germline.

Genetic Services Laboratory, University of Chicago
Classification: Likely benign for AllHighlyPenetrant. Review status: no assertion criteria provided. Collection method: clinical testing. Allele origin: germline. Inheritance: Autosomal recessive inheritance. Not counted in ClinVar's aggregate classification.
Comment: Likely benign based on allele frequency in 1000 Genomes Project or ESP global frequency and its presence in a patient with a rare or unrelated disease phenotype. NOT Sanger confirmed.

NM_004525.3(LRP2):c.4236G>C (p.Arg1412=)

Gene: LRP2 (LDL receptor related protein 2; minus strand). Cytogenetic location: 2q31.1.
Variant type: single nucleotide variant.
Coding change: c.4236G>C on transcript NM_004525.3 (MANE Select); coding-DNA position 4236, G replaced by C.
Protein change: p.Arg1412=; no amino-acid change (arginine 1412 retained).
Molecular consequence: synonymous variant.
Genome position (GRCh38, 1-based): chr2:169,239,585, C>G on the plus strand (G>C on the coding strand, the complement: LRP2 is on the minus strand). VCF-style: chr2-169239585-C-G. GRCh37 (hg19) VCF-style: chr2-170096095-C-G.
Other names: p.Arg1412=.
Identifiers: ClinVar variation 129523 (VCV000129523.23), dbSNP rs34915742, ClinGen allele CA153585.